The following is an entry in ClinVar:

ClinVar aggregate classification (germline): Pathogenic (1 of 4 stars; one submission).

Conditions:
Retinal dystrophy. Also called: Inherited retinal dystrophy. Identifiers: Orphanet 71862, MedGen C0854723, MeSH D058499, MONDO:0019118, HP:0000556.

Submission:

Ophthalmic Genetics Group, Institute of Molecular and Clinical Ophthalmology Basel
Classification: Pathogenic for Retinal dystrophy. Last evaluated: 2024-05-27. Review status: criteria provided, single submitter. Criteria: ACMG Guidelines, 2015. Collection method: research. Allele origin: germline. Affected: yes. Observed: 3 variant alleles.
Comment: This variant was classified as Pathogenic based on ACMG criteria: PVS1_very strong, PM2_mod, PM3_mod and PP1_mod

Literature cited by the submitters: PubMed 40180963.

NM_001142800.2(EYS):c.5918dup (p.Leu1974fs)

Gene: EYS (EGF-like photoreceptor maintenance factor; minus strand). Cytogenetic location: 6q12.
Variant type: Duplication.
Coding change: c.5918dup on transcript NM_001142800.2 (MANE Select); coding-DNA position 5918, one base duplicated (T; older notation c.5918dupT).
Protein change: p.Leu1974fs; shifts the reading frame from leucine 1974.
Molecular consequence: frameshift variant.
Genome position (GRCh38, 1-based): chr6:64,436,183, A duplicated on the plus strand (T on the coding strand, the reverse complement: EYS is on the minus strand). VCF-style (leftmost placement, unchanged base first): chr6-64436182-C-CA. GRCh37 (hg19) VCF-style: chr6-65146075-C-CA.
Other names: NC_000006.11:g.65146076dup; NP_001136272.1:p.(Leu1974AlafsTer10); c.5918dup, p.Leu1974fs (NM_001292009.2); short protein forms L1974fs.
Identifiers: ClinVar variation 3381790 (VCV003381790.2).